The following is an entry in ClinVar:

ClinVar aggregate classification (germline): Conflicting classifications of pathogenicity. Review status: criteria provided, conflicting classifications (1 of 4 stars). 6 submissions from 6 submitters: Uncertain significance (4); Likely benign (2). Last evaluated 2026-07-08.

Conditions:
Hereditary cancer-predisposing syndrome. Also called: Tumor predisposition; Neoplastic Syndromes, Hereditary; Hereditary Cancer Syndrome; Hereditary neoplastic syndrome. Identifiers: Orphanet 140162, MedGen C0027672, MeSH D009386, MONDO:0015356.
SMARCA4-related disorder. Also called: SMARCA4-related condition.
Intellectual disability, autosomal dominant 16 (CSS4). Also called: COFFIN-SIRIS SYNDROME 4. Identifiers: Orphanet 1465, MedGen C3553249, MONDO:0013821, OMIM 614609.
Rhabdoid tumor predisposition syndrome 2 (RTPS2). Identifiers: Orphanet 231108, Orphanet 69077, MedGen C2750074, MONDO:0013224, OMIM 613325.

Allele frequency attached by ClinVar (database versions not stated): gnomAD exomes 0.00002 and 0.00001; TOPMed below 0.00001.
gnomAD v4.1: 23 of 1,611,712 alleles (0.0014%); highest among the groups gnomAD compares: Non-Finnish European, 0.0019%; no homozygotes.

Submissions (6):

Myriad Genetics, Inc.
Classification: Likely benign for Rhabdoid tumor predisposition syndrome 2. Last evaluated: 2026-07-08. Review status: criteria provided, single submitter. Criteria: Myriad Autosomal Dominant, Autosomal Recessive and X-Linked Classification Criteria (2023). Collection method: clinical testing. Allele origin: unknown.
Comment: This variant is considered likely benign. This variant has been observed at a population frequency that is significantly greater than expected given the associated disease prevalence and penetrance.

PreventionGenetics, part of Exact Sciences
Classification: Uncertain significance for SMARCA4-related condition. Last evaluated: 2025-12-19. Review status: criteria provided, single submitter. Criteria: ACMG Guidelines, 2015. Collection method: clinical testing. Allele origin: germline.
Comment: The SMARCA4 c.4042A>G variant is predicted to result in the amino acid substitution p.Ile1348Val. To our knowledge, this variant has not been reported in the literature. This variant is reported in 0.0018% of alleles in individuals of European (Non-Finnish) descent in gnomAD and has conflicting interpretations regarding its pathogenicity in ClinVar, ranging from likely benign to uncertain (Variation ID: 470379). At this time, the clinical significance of this variant is uncertain due to the absence of conclusive functional and genetic evidence.

Labcorp Genetics (formerly Invitae), Labcorp
Classification: Uncertain significance for Rhabdoid tumor predisposition syndrome 2. Last evaluated: 2025-05-06. Review status: criteria provided, single submitter. Criteria: Invitae Variant Classification Sherloc (09022015). Collection method: clinical testing. Allele origin: germline.
Comment: This sequence change replaces isoleucine, which is neutral and non-polar, with valine, which is neutral and non-polar, at codon 1348 of the SMARCA4 protein (p.Ile1348Val). This variant is present in population databases (no rsID available, gnomAD 0.002%). This variant has not been reported in the literature in individuals affected with SMARCA4-related conditions. ClinVar contains an entry for this variant (Variation ID: 470379). Invitae Evidence Modeling of protein sequence and biophysical properties (such as structural, functional, and spatial information, amino acid conservation, physicochemical variation, residue mobility, and thermodynamic stability) indicates that this missense variant is not expected to disrupt SMARCA4 protein function with a negative predictive value of 95%. In summary, the available evidence is currently insufficient to determine the role of this variant in disease. Therefore, it has been classified as a Variant of Uncertain Significance.

Baylor Genetics
Classification: Uncertain significance for Rhabdoid tumor predisposition syndrome 2. Last evaluated: 2023-09-27. Review status: criteria provided, single submitter. Criteria: ACMG Guidelines, 2015. Collection method: clinical testing. Allele origin: unknown.

Ambry Genetics
Classification: Likely benign for Hereditary cancer-predisposing syndrome. Last evaluated: 2021-12-20. Review status: criteria provided, single submitter. Criteria: Ambry Variant Classification Scheme 2023. Collection method: clinical testing. Allele origin: germline.

Genome-Nilou Lab
Classification: Uncertain significance for Intellectual disability, autosomal dominant 16. Last evaluated: 2021-07-15. Review status: criteria provided, single submitter. Criteria: ACMG Guidelines, 2015. Collection method: clinical testing. Allele origin: germline. Affected: no.

NM_003072.5(SMARCA4):c.4042A>G (p.Ile1348Val)

Gene: SMARCA4 (SWI/SNF related BAF chromatin remodeling complex subunit ATPase 4; plus strand). Cytogenetic location: 19p13.2.
Variant type: single nucleotide variant.
Coding change: c.4042A>G on transcript NM_003072.5 (MANE Select); coding-DNA position 4042, A replaced by G.
Protein change: p.Ile1348Val; replaces isoleucine 1348 with valine.
Molecular consequence: missense variant. On other transcripts: non-coding transcript variant (1).
Genome position (GRCh38, 1-based): chr19:11,035,004, A>G. VCF-style: chr19-11035004-A-G. GRCh37 (hg19) VCF-style: chr19-11145680-A-G.
Other names: c.4042A>G, p.Ile1348Val (NM_001128844.3, NM_001128849.3, NM_001387283.1); c.3943A>G, p.Ile1315Val (NM_001128845.2, NM_001128846.2, NM_001128847.4 and 2 more transcripts); short protein forms I1348V, I1315V.
Identifiers: ClinVar variation 470379 (VCV000470379.20), dbSNP rs1221798183, ClinGen allele CA404068181.